The following is an entry in ClinVar:

NM_031935.3(HMCN1):c.4630+8C>T

Gene: HMCN1 (hemicentin 1; plus strand). Cytogenetic location: 1q31.1.
Variant type: single nucleotide variant.
Coding change: c.4630+8C>T on transcript NM_031935.3 (MANE Select); 8 bases into the intron after coding-DNA position 4630, C replaced by T.
Molecular consequence: intron variant.
Genome position (GRCh38, 1-based): chr1:186,007,290, C>T. VCF-style: chr1-186007290-C-T. GRCh37 (hg19) VCF-style: chr1-185976422-C-T.
Other names: c.4630+8C>T (NM_031935.2).
Identifiers: ClinVar variation 2169826 (VCV002169826.7), dbSNP rs143039078, ClinGen allele CA1292061.

ClinVar aggregate classification (germline): Benign/Likely benign. Review status: criteria provided, multiple submitters, no conflicts (2 of 4 stars). 3 submissions from 3 submitters: Benign (1); Likely benign (1). 1 of the submissions does not count toward it. Last evaluated 2025-11-18.

Conditions:
HMCN1-related disorder. Also called: HMCN1-related condition.

Allele frequency attached by ClinVar (database versions not stated): ESP Exome Variant Server 0.00008; TOPMed 0.00018; gnomAD exomes 0.00046; gnomAD 0.00080; 1000 Genomes Project 30x 0.00094; ExAC 0.00097; 1000 Genomes Project 0.00100.
gnomAD v4.1: 792 of 1,611,864 alleles (0.049%); highest among the groups gnomAD compares: South Asian, 0.04%; 3 homozygotes.

Submissions (3):

Labcorp Genetics (formerly Invitae), Labcorp
Classification: Benign. Last evaluated: 2025-11-18. Review status: criteria provided, single submitter. Criteria: Invitae Variant Classification Sherloc (09022015). Collection method: clinical testing. Allele origin: germline.

Blueprint Genetics
Classification: Likely benign. Last evaluated: 2024-10-04. Review status: criteria provided, single submitter. Criteria: ACMG Guidelines, 2015. Collection method: clinical testing. Allele origin: germline.

PreventionGenetics, part of Exact Sciences
Classification: Benign for HMCN1-related condition. Last evaluated: 2019-07-17. Review status: no assertion criteria provided. Collection method: clinical testing. Allele origin: germline. Not counted in ClinVar's aggregate classification.
Comment: This variant is classified as benign based on ACMG/AMP sequence variant interpretation guidelines (Richards et al. 2015 PMID: 25741868, with internal and published modifications).